The following is an entry in ClinVar:

NM_004629.2(FANCG):c.1636+1G>C

Gene: FANCG (FA complementation group G; minus strand). Cytogenetic location: 9p13.3.
Variant type: single nucleotide variant.
Coding change: c.1636+1G>C on transcript NM_004629.2 (MANE Select); the canonical splice donor site of the intron after coding-DNA position 1636, G replaced by C.
Molecular consequence: splice donor variant.
Genome position (GRCh38, 1-based): chr9:35,074,926, C>G on the plus strand (G>C on the coding strand, the complement: FANCG is on the minus strand). VCF-style: chr9-35074926-C-G. GRCh37 (hg19) VCF-style: chr9-35074923-C-G.
Identifiers: ClinVar variation 2675566 (VCV002675566.3), dbSNP rs1829054352, ClinGen allele CA373303180.
Genomic context (GRCh38, chr9:35,074,926, plus strand): 5'-CCCATGGGCCTCTCTGTCCTTGCACATCTATGCATAGCCGACGTCATGCAAGTATACATA[C>G]CTGGGCACATCTGCACACTGAGGAGGAAGTCCTGTAAGGCTTTGGTATCCTGGCCGCTGG-3'

ClinVar aggregate classification (germline): Likely pathogenic. Review status: criteria provided, multiple submitters, no conflicts (2 of 4 stars). 2 submissions from 2 submitters: Likely pathogenic (2). Last evaluated 2024-11-05.

Conditions:
Fanconi anemia (FA). Also called: Fanconi's anemia. Identifiers: Orphanet 84, MedGen C0015625, MeSH D005199, MONDO:0019391.
Fanconi anemia complementation group G. Also called: Fanconi anemia group G; FANCG-Related Fanconi Anemia. Identifiers: Orphanet 84, MedGen C3469527, MONDO:0013565, OMIM 614082.

Submissions (2):

Labcorp Genetics (formerly Invitae), Labcorp
Classification: Likely pathogenic for Fanconi anemia. Last evaluated: 2024-11-05. Review status: criteria provided, single submitter. Criteria: Invitae Variant Classification Sherloc (09022015). Collection method: clinical testing. Allele origin: germline.
Comment: This sequence change affects a donor splice site in intron 12 of the FANCG gene. It is expected to disrupt RNA splicing. Variants that disrupt the donor or acceptor splice site typically lead to a loss of protein function (PMID: 16199547), and loss-of-function variants in FANCG are known to be pathogenic (PMID: 12552564). This variant is not present in population databases (gnomAD no frequency). Disruption of this splice site has been observed in individual(s) with clinical features of Fanconi anemia (PMID: 24300640). ClinVar contains an entry for this variant (Variation ID: 2675566). Algorithms developed to predict the effect of sequence changes on RNA splicing suggest that this variant may disrupt the consensus splice site. In summary, the currently available evidence indicates that the variant is pathogenic, but additional data are needed to prove that conclusively. Therefore, this variant has been classified as Likely Pathogenic.

Baylor Genetics
Classification: Likely pathogenic for Fanconi anemia complementation group G. Last evaluated: 2023-10-28. Review status: criteria provided, single submitter. Criteria: ACMG Guidelines, 2015. Collection method: clinical testing. Allele origin: unknown.

Literature cited by the submitters: PubMed 16199547 (cited by Labcorp Genetics (formerly Invitae), Labcorp); PubMed 12552564 (cited by Labcorp Genetics (formerly Invitae), Labcorp); PubMed 24300640 (cited by Labcorp Genetics (formerly Invitae), Labcorp).